The following is an entry in ClinVar:

NM_001164508.2(NEB):c.18694-7A>T

Gene: NEB (nebulin; minus strand). Cytogenetic location: 2q23.3.
Variant type: single nucleotide variant.
Coding change: c.18694-7A>T on transcript NM_001164508.2 (MANE Select); 7 bases into the intron before coding-DNA position 18694, A replaced by T.
Molecular consequence: intron variant.
Genome position (GRCh38, 1-based): chr2:151,562,815, T>A on the plus strand (A>T on the coding strand, the complement: NEB is on the minus strand). VCF-style: chr2-151562815-T-A. GRCh37 (hg19) VCF-style: chr2-152419329-T-A.
Other names: c.13591-7A>T (NM_004543.5); c.18694-7A>T (NM_001164507.2, NM_001271208.2).
Identifiers: ClinVar variation 534041 (VCV000534041.39), dbSNP rs373371474, ClinGen allele CA1907871.
Genomic context (GRCh38, chr2:151,562,815, plus strand): 5'-ATTGGGGATATGAACATTTGCTTTGGTATCCTCATAATGTTTTCTGTAGTTCAACTAATA[T>A]GTTTTAAAGACAAAAATAAGAAAGGGGTTTAAATGTAAATTATTCAGATCAATGTCTTTT-3'

ClinVar aggregate classification (germline): Conflicting classifications of pathogenicity. Review status: criteria provided, conflicting classifications (1 of 4 stars). 3 submissions from 3 submitters: Uncertain significance (1); Likely benign (2). Last evaluated 2026-01-25.

Conditions:
Nemaline myopathy 2 (NEM2). Also called: Nemaline myopathy 2, autosomal recessive. Identifiers: MedGen C1850569, MONDO:0009725, OMIM 256030.

Allele frequency attached by ClinVar (database versions not stated): ExAC 0.00003; gnomAD 0.00006; ESP Exome Variant Server 0.00008; TOPMed 0.00008; gnomAD exomes 0.00010.
gnomAD v4.1: 48 of 1,541,456 alleles (0.0031%); highest among the groups gnomAD compares: Admixed American, 0.029%; 1 homozygote.

Submissions (3):

Labcorp Genetics (formerly Invitae), Labcorp
Classification: Likely benign for Nemaline myopathy 2. Last evaluated: 2026-01-25. Review status: criteria provided, single submitter. Criteria: Invitae Variant Classification Sherloc (09022015). Collection method: clinical testing. Allele origin: germline.

CeGaT Center for Human Genetics Tuebingen
Classification: Likely benign. Last evaluated: 2022-10-01. Review status: criteria provided, single submitter. Criteria: CeGaT Center For Human Genetics Tuebingen Variant Classification Criteria Version 2. Collection method: clinical testing. Allele origin: germline. Affected: yes. Observed: 1 variant allele.
Comment: NEB: BP4

GeneDx
Classification: Uncertain significance. Last evaluated: 2019-10-07. Review status: criteria provided, single submitter. Criteria: GeneDx Variant Classification Process June 2021. Collection method: clinical testing. Allele origin: germline. Affected: yes.
Comment: In-silico analysis, which includes splice predictors and evolutionary conservation, is inconclusive as to whether the variant alters gene splicing. In the absence of RNA/functional studies, the actual effect of this sequence change is unknown.; Has not been previously published as pathogenic or benign to our knowledge